The following is an entry in ClinVar:

NM_002700.3(POU4F3):c.384_387dup (p.Ser130fs)

Genes: POU4F3 (POU class 4 homeobox 3; plus strand), LOC127814297 (RBM27-POU4F3; plus strand). Cytogenetic location: 5q32.
Variant type: Microsatellite.
Coding change: c.384_387dup on transcript NM_002700.3 (MANE Select); coding-DNA positions 384 to 387, 4 bases duplicated (TGTG; older notation c.384_387dupTGTG).
Protein change: p.Ser130fs; shifts the reading frame from serine 130.
Molecular consequence: frameshift variant.
Genome position (GRCh38, 1-based): chr5:146,339,811-146,339,814, TGTG duplicated; duplicating any 4 consecutive bases within chr5:146,339,810-146,339,814 gives the same sequence; the c. name uses the placement nearest the transcript's 3' end. VCF-style (leftmost placement, unchanged base first): chr5-146339809-A-AGTGT. GRCh37 (hg19) VCF-style: chr5-145719372-A-AGTGT.
Other names: short protein forms S130fs.
Identifiers: ClinVar variation 667014 (VCV000667014.4), dbSNP rs1581278366, ClinGen allele CA915942687.

ClinVar aggregate classification (germline): Likely pathogenic (1 of 4 stars; one submission).

Conditions:
Rare genetic deafness. Identifiers: Orphanet 96210, MedGen C5680250.

Submission:

Laboratory for Molecular Medicine, Mass General Brigham Personalized Medicine
Classification: Likely pathogenic for Rare genetic deafness. Last evaluated: 2018-03-07. Review status: criteria provided, single submitter. Criteria: LMM Criteria. Collection method: clinical testing. Allele origin: germline. Inheritance: Autosomal dominant inheritance. Observed: 1 variant allele.
Comment: The p.Ser130fs variant in POU4F3 has not been previously reported in individuals with hearing loss and was absent from large population studies. This variant is predicted to cause a frameshift, which alters the protein?s amino acid sequence beginning at position 130 and leads to a premature termination codon 43 amino a cids downstream. This termination codon occurs in the last exon and is likely to escape nonsense mediated decay resulting in a non-functional truncated protein. Heterozygous loss of function of the POU4F3 gene is strongly associated with he aring loss. In summary, although additional studies are required to fully establ ish its clinical significance, the p.Ser130fs variant is likely pathogenic. ACMG /AMP Criteria applied: PVS1_Strong, PM2